The following is an entry in ClinVar:

NM_024685.4(BBS10):c.1596G>C (p.Arg532Ser)

Gene: BBS10 (Bardet-Biedl syndrome 10; minus strand). Cytogenetic location: 12q21.2.
Variant type: single nucleotide variant.
Coding change: c.1596G>C on transcript NM_024685.4 (MANE Select); coding-DNA position 1596, G replaced by C.
Protein change: p.Arg532Ser; replaces arginine 532 with serine.
Molecular consequence: missense variant.
Genome position (GRCh38, 1-based): chr12:76,346,389, C>G on the plus strand (G>C on the coding strand, the complement: BBS10 is on the minus strand). VCF-style: chr12-76346389-C-G. GRCh37 (hg19) VCF-style: chr12-76740169-C-G.
Other names: short protein forms R532S.
Identifiers: ClinVar variation 2162511 (VCV002162511.4), dbSNP rs1332608574, ClinGen allele CA385810836.
Genomic context (GRCh38, chr12:76,346,389, plus strand): 5'-TCCCCTTGTTGAATAAGCAGTGGAATTGTTCTTGAGTAATGGTTCATAATAATCAGTTAG[C>G]CTGTTTCTTTCCAAAGACAAACATGTCAGCGTTTCAACTGTTTGGAATGTATCTGTTGGT-3'
Protein context (NP_078961.3, residues 522-542): TLTCLSLERN[Arg532Ser]LTDYYEPLLK

ClinVar aggregate classification (germline): Uncertain significance (1 of 4 stars; one submission).

Conditions:
Bardet-Biedl syndrome (BBS). Identifiers: Orphanet 110, MedGen C0752166, MONDO:0015229.

Allele frequency attached by ClinVar (database versions not stated): TOPMed below 0.00001; gnomAD exomes 0.00001.
gnomAD v4.1: 4 of 1,614,006 alleles (0.00025%); highest among the groups gnomAD compares: Admixed American, 0.0067%; no homozygotes.

Submission:

Labcorp Genetics (formerly Invitae), Labcorp
Classification: Uncertain significance for Bardet-Biedl syndrome. Last evaluated: 2025-02-06. Review status: criteria provided, single submitter. Criteria: Invitae Variant Classification Sherloc (09022015). Collection method: clinical testing. Allele origin: germline.
Comment: This sequence change replaces arginine, which is basic and polar, with serine, which is neutral and polar, at codon 532 of the BBS10 protein (p.Arg532Ser). This variant is present in population databases (no rsID available, gnomAD 0.009%). This variant has not been reported in the literature in individuals affected with BBS10-related conditions. ClinVar contains an entry for this variant (Variation ID: 2162511). Invitae Evidence Modeling of protein sequence and biophysical properties (such as structural, functional, and spatial information, amino acid conservation, physicochemical variation, residue mobility, and thermodynamic stability) indicates that this missense variant is not expected to disrupt BBS10 protein function with a negative predictive value of 80%. In summary, the available evidence is currently insufficient to determine the role of this variant in disease. Therefore, it has been classified as a Variant of Uncertain Significance.